The following is an entry in ClinVar:

NM_002098.6(GUCA1B):c.582_584dup (p.Arg195dup)

Gene: GUCA1B (guanylate cyclase activator 1B; minus strand). Cytogenetic location: 6p21.1.
Variant type: Duplication.
Coding change: c.582_584dup on transcript NM_002098.6 (MANE Select); coding-DNA positions 582 to 584, 3 bases duplicated (ACG; older notation c.582_584dupACG).
Protein change: p.Arg195dup; duplicates arginine 195.
Molecular consequence: inframe insertion.
Genome position (GRCh38, 1-based): chr6:42,184,834-42,184,836, CGT duplicated on the plus strand (ACG on the coding strand, the reverse complement: GUCA1B is on the minus strand); duplicating any 3 consecutive bases within chr6:42,184,834-42,184,837 gives the same sequence; the c. name uses the placement nearest the transcript's 3' end. VCF-style (leftmost placement, unchanged base first): chr6-42184833-C-CCGT. GRCh37 (hg19) VCF-style: chr6-42152571-C-CCGT.
Identifiers: ClinVar variation 857138 (VCV000857138.9), dbSNP rs1768165333, ClinGen allele CA916082819.

ClinVar aggregate classification (germline): Uncertain significance (1 of 4 stars; one submission).

Submission:

Labcorp Genetics (formerly Invitae), Labcorp
Classification: Uncertain significance. Last evaluated: 2022-07-18. Review status: criteria provided, single submitter. Criteria: Invitae Variant Classification Sherloc (09022015). Collection method: clinical testing. Allele origin: germline.
Comment: This variant, c.582_584dup, results in the insertion of 1 amino acid(s) of the GUCA1B protein (p.Arg195dup), but otherwise preserves the integrity of the reading frame. This variant is not present in population databases (gnomAD no frequency). This variant has not been reported in the literature in individuals affected with GUCA1B-related conditions. ClinVar contains an entry for this variant (Variation ID: 857138). Experimental studies and prediction algorithms are not available or were not evaluated, and the functional significance of this variant is currently unknown. In summary, the available evidence is currently insufficient to determine the role of this variant in disease. Therefore, it has been classified as a Variant of Uncertain Significance.